The following is an entry in ClinVar:

ClinVar aggregate classification (germline): Uncertain significance. Review status: criteria provided, multiple submitters, no conflicts (2 of 4 stars). 2 submissions from 2 submitters: Uncertain significance (2). Last evaluated 2025-07-03.

Conditions:
Osteofibrous dysplasia (OSFD). Also called: Tibia, bowing of, with pseudarthrosis and pectus excavatum. Identifiers: Orphanet 488265, MedGen C4085248, MONDO:0011806, OMIM 607278.
Autosomal recessive nonsyndromic hearing loss 97. Also called: Deafness, autosomal recessive 97. Identifiers: Orphanet 90636, MedGen C4084709, MONDO:0014739, OMIM 616705.
Arthrogryposis, distal, IIa 11. Also called: Arthrogryposis, distal, type 11. Identifiers: MedGen C5774205, MONDO:0031045, OMIM 620019.
Hepatocellular carcinoma (HCC). Also called: Primary carcinoma of liver; HEPATOMA; LIVER CELL CARCINOMA. Identifiers: Orphanet 88673, MedGen C2239176, MONDO:0007256, OMIM 114550, HP:0001402.
Papillary renal cell carcinoma type 1 (RCCP1). Also called: RENAL CELL CARCINOMA, PAPILLARY, 1, SOMATIC; Renal adenocarcinoma; Renal cell carcinoma 1; Renal cell carcinoma, somatic. Identifiers: Orphanet 47044, MedGen C1336839, OMIM 605074, HP:0011797.
Hereditary cancer-predisposing syndrome. Also called: Tumor predisposition; Hereditary Cancer Syndrome; Neoplastic Syndromes, Hereditary; Hereditary neoplastic syndrome. Identifiers: Orphanet 140162, MedGen C0027672, MeSH D009386, MONDO:0015356.

Allele frequency attached by ClinVar (database versions not stated): gnomAD exomes below 0.00001.
gnomAD v4.1: 1 of 1,613,888 alleles (0.000062%); highest among the groups gnomAD compares: East Asian, 0.0022%; no homozygotes.

Submissions (2):

Ambry Genetics
Classification: Uncertain significance for Hereditary cancer-predisposing syndrome. Last evaluated: 2025-07-03. Review status: criteria provided, single submitter. Criteria: Ambry Variant Classification Scheme 2023. Collection method: clinical testing. Allele origin: germline.
Comment: The p.H997Y variant (also known as c.2989C>T), located in coding exon 13 of the MET gene, results from a C to T substitution at nucleotide position 2989. The histidine at codon 997 is replaced by tyrosine, an amino acid with similar properties. This amino acid position is highly conserved in available vertebrate species. In addition, the in silico prediction for this alteration is inconclusive. Based on the available evidence, the clinical significance of this variant remains unclear.

Fulgent Genetics
Classification: Uncertain significance for Hepatocellular carcinoma; Papillary renal cell carcinoma type 1; Osteofibrous dysplasia; Autosomal recessive nonsyndromic hearing loss 97; Arthrogryposis, distal, IIa 11. Last evaluated: 2024-03-07. Review status: criteria provided, single submitter. Criteria: ACMG Guidelines, 2015. Collection method: clinical testing. Allele origin: germline.

NM_000245.4(MET):c.2935C>T (p.His979Tyr)

Gene: MET (MET proto-oncogene, receptor tyrosine kinase; plus strand). Cytogenetic location: 7q31.2.
Variant type: single nucleotide variant.
Coding change: c.2935C>T on transcript NM_000245.4 (MANE Select); coding-DNA position 2935, C replaced by T.
Protein change: p.His979Tyr; replaces histidine 979 with tyrosine.
Molecular consequence: missense variant.
Genome position (GRCh38, 1-based): chr7:116,771,896, C>T. VCF-style: chr7-116771896-C-T. GRCh37 (hg19) VCF-style: chr7-116411950-C-T.
Other names: c.2989C>T, p.His997Tyr (NM_001127500.3); c.1645C>T, p.His549Tyr (NM_001324402.2); short protein forms H549Y, H997Y, H979Y.
Identifiers: ClinVar variation 822441 (VCV000822441.6), dbSNP rs1584955347, ClinGen allele CA368987098.